The following is an entry in ClinVar:

ClinVar aggregate classification (germline): Likely pathogenic (1 of 4 stars; one submission).

Conditions:
Hypotonia, infantile, with psychomotor retardation and characteristic facies 1 (INNFD). Identifiers: Orphanet 371364, Orphanet 700336, MedGen C3809454, MONDO:0024567, OMIM 615419.

Submission:

3billion
Classification: Likely pathogenic for Hypotonia, infantile, with psychomotor retardation and characteristic facies 1. Last evaluated: 2023-12-09. Review status: criteria provided, single submitter. Criteria: ACMG Guidelines, 2015. Collection method: clinical testing. Allele origin: germline. Affected: yes.
Comment: The variant is not observed in the gnomAD v2.1.1 dataset. Predicted Consequence/Location: Stop-gained (nonsense): predicted to result in a loss or disruption of normal protein function through nonsense-mediated decay (NMD) or protein truncation. Multiple pathogenic variants are reported downstream of the variant. Therefore, this variant is classified as Likely pathogenic according to the recommendation of ACMG/AMP guideline.

NM_052867.4(NALCN):c.2236C>T (p.Gln746Ter)

Gene: NALCN (sodium leak channel, non-selective; minus strand). Cytogenetic location: 13q33.1.
Variant type: single nucleotide variant.
Coding change: c.2236C>T on transcript NM_052867.4 (MANE Select); coding-DNA position 2236, C replaced by T.
Protein change: p.Gln746Ter; replaces glutamine 746 with a stop codon.
Molecular consequence: nonsense.
Genome position (GRCh38, 1-based): chr13:101,111,183, G>A on the plus strand (C>T on the coding strand, the complement: NALCN is on the minus strand). VCF-style: chr13-101111183-G-A. GRCh37 (hg19) VCF-style: chr13-101763534-G-A.
Other names: c.2236C>T, p.Gln746Ter (NM_001350749.2); c.2149C>T, p.Gln717Ter (NM_001350750.2, NM_001350751.2); c.2323C>T, p.Gln775Ter (NM_001350748.2); short protein forms Q717*, Q746*, Q775*.
Identifiers: ClinVar variation 3775913 (VCV003775913.1).